The following is an entry in ClinVar:

NM_052947.4(ALPK2):c.4033C>A (p.Pro1345Thr)

Genes: ALPK2 (alpha kinase 2; minus strand), LOC126862764 (BRD4-independent group 4 enhancer GRCh37_chr18:56202574-56203773; plus strand). Cytogenetic location: 18q21.31.
Variant type: single nucleotide variant.
Coding change: c.4033C>A on transcript NM_052947.4 (MANE Select); coding-DNA position 4033, C replaced by A.
Protein change: p.Pro1345Thr; replaces proline 1345 with threonine.
Molecular consequence: missense variant.
Genome position (GRCh38, 1-based): chr18:58,536,154, G>T on the plus strand (C>A on the coding strand, the complement: ALPK2 is on the minus strand). VCF-style: chr18-58536154-G-T. GRCh37 (hg19) VCF-style: chr18-56203386-G-T.
Other names: short protein forms P1345T.
Identifiers: ClinVar variation 1737219 (VCV001737219.2), dbSNP rs764623366, ClinGen allele CA402564679.

ClinVar aggregate classification (germline): Uncertain significance (1 of 4 stars; one submission).

gnomAD v4.1: 1 of 1,614,034 alleles (0.000062%); highest among the groups gnomAD compares: South Asian, 0.0011%; no homozygotes.

Submission:

Ambry Genetics
Classification: Uncertain significance. Last evaluated: 2022-06-01. Review status: criteria provided, single submitter. Criteria: Ambry Variant Classification Scheme 2023. Collection method: clinical testing. Allele origin: germline.
Comment: The p.P1345T variant (also known as c.4033C>A), located in coding exon 4 of the ALPK2 gene, results from a C to A substitution at nucleotide position 4033. The proline at codon 1345 is replaced by threonine, an amino acid with highly similar properties. This amino acid position is conserved. In addition, this alteration is predicted to be tolerated by in silico analysis. Since supporting evidence is limited at this time, the clinical significance of this alteration remains unclear.